The following is an entry in ClinVar:

ClinVar aggregate classification (germline): Uncertain significance. Review status: criteria provided, multiple submitters, no conflicts (2 of 4 stars). 3 submissions from 3 submitters: Uncertain significance (3). Last evaluated 2025-10-25.

Conditions:
Hereditary cancer-predisposing syndrome. Also called: Neoplastic Syndromes, Hereditary; Tumor predisposition; Hereditary Cancer Syndrome; Hereditary neoplastic syndrome. Identifiers: Orphanet 140162, MedGen C0027672, MeSH D009386, MONDO:0015356.
Neuroepithelial tumor, PATZ1 fusion-positive.

Allele frequency attached by ClinVar (database versions not stated): ExAC 0.00001; gnomAD 0.00001; TOPMed 0.00001.
gnomAD v4.1: 5 of 1,613,962 alleles (0.00031%); highest among the groups gnomAD compares: Admixed American, 0.005%; no homozygotes.

Submissions (3):

Ambry Genetics
Classification: Uncertain significance for Hereditary cancer-predisposing syndrome. Last evaluated: 2025-10-25. Review status: criteria provided, single submitter. Criteria: Ambry Variant Classification Scheme 2023. Collection method: clinical testing. Allele origin: germline.
Comment: The p.V12M variant (also known as c.34G>A), located in coding exon 1 of the RAD50 gene, results from a G to A substitution at nucleotide position 34. The valine at codon 12 is replaced by methionine, an amino acid with highly similar properties. This amino acid position is highly conserved in available vertebrate species. In addition, the in silico prediction for this alteration is inconclusive. Since supporting evidence is limited at this time, the clinical significance of this alteration remains unclear.

Labcorp Genetics (formerly Invitae), Labcorp
Classification: Uncertain significance for Hereditary cancer-predisposing syndrome. Last evaluated: 2025-10-01. Review status: criteria provided, single submitter. Criteria: Invitae Variant Classification Sherloc (09022015). Collection method: clinical testing. Allele origin: germline.
Comment: This sequence change replaces valine, which is neutral and non-polar, with methionine, which is neutral and non-polar, at codon 12 of the RAD50 protein (p.Val12Met). This variant is present in population databases (rs755022536, gnomAD 0.006%). This variant has not been reported in the literature in individuals affected with RAD50-related conditions. ClinVar contains an entry for this variant (Variation ID: 457454). Invitae Evidence Modeling of protein sequence and biophysical properties (such as structural, functional, and spatial information, amino acid conservation, physicochemical variation, residue mobility, and thermodynamic stability) indicates that this missense variant is expected to disrupt RAD50 protein function with a positive predictive value of 80%. In summary, the available evidence is currently insufficient to determine the role of this variant in disease. Therefore, it has been classified as a Variant of Uncertain Significance.

Laboratory of Medical Genetics Unit, Bambino Gesù Children's Hospital
Classification: Uncertain significance for Neuroepithelial tumor, PATZ1 fusion-positive. Last evaluated: 2021-04-22. Review status: criteria provided, single submitter. Criteria: ACMG Guidelines, 2015. Collection method: research. Allele origin: germline. Affected: yes. Observed: 1 heterozygote.

NM_005732.4(RAD50):c.34G>A (p.Val12Met)

Gene: RAD50 (RAD50 double strand break repair protein; plus strand). Cytogenetic location: 5q31.1.
Variant type: single nucleotide variant.
Coding change: c.34G>A on transcript NM_005732.4 (MANE Select); coding-DNA position 34, G replaced by A.
Protein change: p.Val12Met; replaces valine 12 with methionine.
Molecular consequence: missense variant.
Genome position (GRCh38, 1-based): chr5:132,557,358, G>A. VCF-style: chr5-132557358-G-A. GRCh37 (hg19) VCF-style: chr5-131893050-G-A.
Other names: short protein forms V12M.
Identifiers: ClinVar variation 457454 (VCV000457454.14), dbSNP rs755022536, ClinGen allele CA3404876.
Genomic context (GRCh38, chr5:132,557,358, plus strand): 5'-CTGGTGAGATTAGAAACGTTTGCAAACATGTCCCGGATCGAAAAGATGAGCATTCTGGGC[G>A]TGCGGAGTTTTGGAATAGAGGACAAAGATAAGCAAATTATCACTTTCTTCAGCCCCCTTA-3'
Protein context (NP_005723.2, residues 2-22): SRIEKMSILG[Val12Met]RSFGIEDKDK